The following is an entry in ClinVar:

ClinVar aggregate classification (germline): Uncertain significance (1 of 4 stars; one submission).

Conditions:
DICER1-related tumor predisposition. Also called: DICER1 syndrome; DICER1-related pleuropulmonary blastoma cancer predisposition syndrome. Identifiers: Orphanet 284343, MedGen C3839822, MONDO:0100216.

Submission:

Labcorp Genetics (formerly Invitae), Labcorp
Classification: Uncertain significance for DICER1-related tumor predisposition. Last evaluated: 2020-04-24. Review status: criteria provided, single submitter. Criteria: Invitae Variant Classification Sherloc (09022015). Collection method: clinical testing. Allele origin: germline.
Comment: This variant is not present in population databases (ExAC no frequency). This sequence change replaces aspartic acid with asparagine at codon 244 of the DICER1 protein (p.Asp244Asn). The aspartic acid residue is highly conserved and there is a small physicochemical difference between aspartic acid and asparagine. This variant has not been reported in the literature in individuals with DICER1-related conditions. Algorithms developed to predict the effect of missense changes on protein structure and function (SIFT, PolyPhen-2, Align-GVGD) all suggest that this variant is likely to be tolerated, but these predictions have not been confirmed by published functional studies and their clinical significance is uncertain. In summary, the available evidence is currently insufficient to determine the role of this variant in disease. Therefore, it has been classified as a Variant of Uncertain Significance.

NM_177438.3(DICER1):c.730G>A (p.Asp244Asn)

Gene: DICER1 (dicer 1, ribonuclease III; minus strand). Cytogenetic location: 14q32.13.
Variant type: single nucleotide variant.
Coding change: c.730G>A on transcript NM_177438.3 (MANE Select); coding-DNA position 730, G replaced by A.
Protein change: p.Asp244Asn; replaces aspartic acid 244 with asparagine.
Molecular consequence: missense variant.
Genome position (GRCh38, 1-based): chr14:95,129,476, C>T on the plus strand (G>A on the coding strand, the complement: DICER1 is on the minus strand). VCF-style: chr14-95129476-C-T. GRCh37 (hg19) VCF-style: chr14-95595813-C-T.
Other names: c.730G>A, p.Asp244Asn (NM_001195573.1, NM_001271282.3, NM_001291628.2 and 1 more transcripts); short protein forms D244N.
Identifiers: ClinVar variation 1063731 (VCV001063731.10), dbSNP rs1893760240, ClinGen allele CA390887967.
Genomic context (GRCh38, chr14:95,129,476, plus strand): 5'-ACTTAATATTGTTTTCAACTAATCTCATTAAAGCTGAGTCAATCAGAAGTGCATACCTGT[C>T]TAAGACCACCAGGTCAGTTGCAGTTTCAGCATTACTCTTAAGAATTTTCTCTAGTTTCTG-3'
Protein context (NP_803187.1, residues 234-254): AETATDLVVL[Asp244Asn]RYTSQPCEIV